The following is an entry in ClinVar:

ClinVar aggregate classification (germline): Pathogenic (1 of 4 stars; one submission).

Conditions:
Fanconi anemia (FA). Also called: Fanconi's anemia. Identifiers: Orphanet 84, MedGen C0015625, MeSH D005199, MONDO:0019391.

Submission:

Department of Clinical Genetics, Copenhagen University Hospital, Rigshospitalet
Classification: Pathogenic for Fanconi anemia. Last evaluated: 2026-03-06. Review status: criteria provided, single submitter. Criteria: ACMG Guidelines, 2015. Collection method: clinical testing. Allele origin: germline. Affected: yes. Observed: 1 variant allele.
Comment: The following ACMG criteria has been used: PVS1_(RNA), PP4, PM2_SUP and PM3_MOD

NM_000135.4(FANCA):c.2504+108A>G

Gene: FANCA (FA complementation group A; minus strand). Cytogenetic location: 16q24.3.
Variant type: single nucleotide variant.
Coding change: c.2504+108A>G on transcript NM_000135.4 (MANE Select); 108 bases into the intron after coding-DNA position 2504, A replaced by G.
Molecular consequence: intron variant.
Genome position (GRCh38, 1-based): chr16:89,769,729, T>C on the plus strand (A>G on the coding strand, the complement: FANCA is on the minus strand). VCF-style: chr16-89769729-T-C. GRCh37 (hg19) VCF-style: chr16-89836137-T-C.
Other names: c.2504+108A>G (NM_001286167.3).
Identifiers: ClinVar variation 4813131 (VCV004813131.1).